The following is an entry in ClinVar:

ClinVar aggregate classification (germline): Benign. Review status: criteria provided, multiple submitters, no conflicts (2 of 4 stars). 6 submissions from 6 submitters: Benign (6). Last evaluated 2026-02-04.

Conditions:
Weill-Marchesani 4 syndrome, recessive. Also called: Weill-Marchesani syndrome 4. Identifiers: Orphanet 363992, MedGen C2750787, MONDO:0013176, OMIM 613195.

Allele frequency attached by ClinVar (database versions not stated): 1000 Genomes Project 0.03055; 1000 Genomes Project 30x 0.03076; TOPMed 0.05973; ESP Exome Variant Server 0.07397.
gnomAD v4.1: 151,238 of 1,614,112 alleles (9.4%); highest among the groups gnomAD compares: Non-Finnish European, 11%; 8,347 homozygotes.

Submissions (6):

Labcorp Genetics (formerly Invitae), Labcorp
Classification: Benign. Last evaluated: 2026-02-04. Review status: criteria provided, single submitter. Criteria: Invitae Variant Classification Sherloc (09022015). Collection method: clinical testing. Allele origin: germline.

Blueprint Genetics
Classification: Benign. Last evaluated: 2024-11-27. Review status: criteria provided, single submitter. Criteria: ACMG Guidelines, 2015. Collection method: clinical testing. Allele origin: germline.

Mayo Clinic Laboratories, Mayo Clinic
Classification: Benign. Last evaluated: 2023-01-04. Review status: criteria provided, single submitter. Criteria: ACMG Guidelines, 2015. Collection method: clinical testing. Allele origin: germline. Observed: 130 variant alleles.
Comment: BA1

GeneDx
Classification: Benign. Last evaluated: 2020-11-20. Review status: criteria provided, single submitter. Criteria: GeneDx Variant Classification Process June 2021. Collection method: clinical testing. Allele origin: germline. Affected: yes.
Comment: This variant is associated with the following publications: (PMID: 27848971)

Illumina Laboratory Services, Illumina
Classification: Benign for Weill-Marchesani 4 syndrome, recessive. Last evaluated: 2018-01-13. Review status: criteria provided, single submitter. Criteria: ICSL Variant Classification Criteria 13 December 2019. Collection method: clinical testing. Allele origin: germline.
Comment: This variant was observed in the ICSL laboratory as part of a predisposition screen in an ostensibly healthy population. It had not been previously curated by ICSL or reported in the Human Gene Mutation Database (HGMD: prior to June 1st, 2018), and was therefore a candidate for classification through an automated scoring system. Utilizing variant allele frequency, disease prevalence and penetrance estimates, and inheritance mode, an automated score was calculated to assess if this variant is too frequent to cause the disease. Based on the score and internal cut-off values, a variant classified as benign is not then subjected to further curation. The score for this variant resulted in a classification of benign for this disease.

Breakthrough Genomics
Classification: Benign. Review status: criteria provided, single submitter. Criteria: ACMG Guidelines, 2015. Collection method: not provided. Allele origin: germline. Inheritance: Autosomal recessive inheritance. Affected: yes.

NM_139057.4(ADAMTS17):c.1337C>T (p.Thr446Ile)

Gene: ADAMTS17 (ADAM metallopeptidase with thrombospondin type 1 motif 17; minus strand). Cytogenetic location: 15q26.3.
Variant type: single nucleotide variant.
Coding change: c.1337C>T on transcript NM_139057.4 (MANE Select); coding-DNA position 1337, C replaced by T.
Protein change: p.Thr446Ile; replaces threonine 446 with isoleucine.
Molecular consequence: missense variant.
Genome position (GRCh38, 1-based): chr15:100,152,748, G>A on the plus strand (C>T on the coding strand, the complement: ADAMTS17 is on the minus strand). VCF-style: chr15-100152748-G-A. GRCh37 (hg19) VCF-style: chr15-100692953-G-A.
Other names: p.Thr446Ile; short protein forms T446I.
Identifiers: ClinVar variation 315294 (VCV000315294.16), dbSNP rs72755233, ClinGen allele CA7758271.